The following is an entry in ClinVar:

ClinVar aggregate classification (germline): Likely benign. Review status: criteria provided, multiple submitters, no conflicts (2 of 4 stars). 2 submissions from 2 submitters: Likely benign (2). Last evaluated 2025-09-01.

Allele frequency attached by ClinVar (database versions not stated): gnomAD 0.00003; TOPMed 0.00006.
gnomAD v4.1: 26 of 1,517,592 alleles (0.0017%); highest among the groups gnomAD compares: Admixed American, 0.034%; no homozygotes.

Submissions (2):

CeGaT Center for Human Genetics Tuebingen
Classification: Likely benign. Last evaluated: 2025-09-01. Review status: criteria provided, single submitter. Criteria: CeGaT Center For Human Genetics Tuebingen Variant Classification Criteria Version 2. Collection method: clinical testing. Allele origin: germline. Affected: yes. Observed: 1 variant allele.
Comment: NEDD4L: BP4, BP7

Labcorp Genetics (formerly Invitae), Labcorp
Classification: Likely benign. Last evaluated: 2025-08-20. Review status: criteria provided, single submitter. Criteria: Invitae Variant Classification Sherloc (09022015). Collection method: clinical testing. Allele origin: germline.

NM_001144967.3(NEDD4L):c.129G>T (p.Pro43=)

Gene: NEDD4L (NEDD4 like E3 ubiquitin protein ligase; plus strand). Cytogenetic location: 18q21.31.
Variant type: single nucleotide variant.
Coding change: c.129G>T on transcript NM_001144967.3 (MANE Select); coding-DNA position 129, G replaced by T.
Protein change: p.Pro43=; no amino-acid change (proline 43 retained).
Molecular consequence: synonymous variant. On other transcripts: 5 prime UTR variant (5).
Genome position (GRCh38, 1-based): chr18:58,245,433, G>T. VCF-style: chr18-58245433-G-T. GRCh37 (hg19) VCF-style: chr18-55912665-G-T.
Other names: c.-235G>T (NM_001144964.1, NM_001144965.2, NM_001144966.3 and 2 more transcripts); c.105G>T, p.Pro35= (NM_001144968.2, NM_001144969.2); c.129G>T, p.Pro43= (NM_001243960.2, NM_015277.6).
Identifiers: ClinVar variation 785310 (VCV000785310.15), dbSNP rs564001263, ClinGen allele CA8975240.
Genomic context (GRCh38, chr18:58,245,433, plus strand): 5'-TTCTCTTTTGAATGAAAAGTATAATCCTATTAAATCTAAAATATTTTCTTACAGTGATCC[G>T]TATGTGAAACTTTCATTGTACGTAGCGGATGAGAATAGAGAACTTGCTTTGGTCCAGACA-3'
Protein context (NP_001138439.1, residues 33-53): AKKDIFGASD[Pro43=]YVKLSLYVAD